The following is an entry in ClinVar:

NM_000302.4(PLOD1):c.730G>A (p.Gly244Arg)

Gene: PLOD1 (procollagen-lysine,2-oxoglutarate 5-dioxygenase 1; plus strand). Cytogenetic location: 1p36.22.
Variant type: single nucleotide variant.
Coding change: c.730G>A on transcript NM_000302.4 (MANE Select); coding-DNA position 730, G replaced by A.
Protein change: p.Gly244Arg; replaces glycine 244 with arginine.
Molecular consequence: missense variant.
Genome position (GRCh38, 1-based): chr1:11,957,003, G>A. VCF-style: chr1-11957003-G-A. GRCh37 (hg19) VCF-style: chr1-12017060-G-A.
Other names: c.871G>A, p.Gly291Arg (NM_001316320.2); short protein forms G291R, G244R.
Identifiers: ClinVar variation 1758251 (VCV001758251.2), dbSNP rs769659116, ClinGen allele CA598062.
Genomic context (GRCh38, chr1:11,957,003, plus strand): 5'-GGCCATGTGAGAGCGAGGAACCTGGCCTATGACACCCTCCCGGTCCTGATCCATGGCAAC[G>A]GGCCAACCAAGGTAGGGGGTCCCCAGCCCCTGGGGAGTGTGGGAGGGGGCCAGAGCCCTA-3'
Protein context (NP_000293.2, residues 234-254): DTLPVLIHGN[Gly244Arg]PTKLQLNYLG

ClinVar aggregate classification (germline): Uncertain significance (1 of 4 stars; one submission).

Conditions:
Familial thoracic aortic aneurysm and aortic dissection (TAAD). Also called: Thoracic aortic aneurysms and dissections. Identifiers: Orphanet 91387, MedGen C4707243, MONDO:0019625.

Allele frequency attached by ClinVar (database versions not stated): ExAC 0.00001; gnomAD 0.00001; gnomAD exomes 0.00002.

Submission:

Ambry Genetics
Classification: Uncertain significance for Familial thoracic aortic aneurysm and aortic dissection. Last evaluated: 2022-07-11. Review status: criteria provided, single submitter. Criteria: Ambry Variant Classification Scheme 2023. Collection method: clinical testing. Allele origin: germline.
Comment: The p.G244R variant (also known as c.730G>A), located in coding exon 7 of the PLOD1 gene, results from a G to A substitution at nucleotide position 730. The glycine at codon 244 is replaced by arginine, an amino acid with dissimilar properties. This amino acid position is conserved. In addition, this alteration is predicted to be deleterious by in silico analysis. Since supporting evidence is limited at this time, the clinical significance of this alteration remains unclear.